The following is an entry in ClinVar:

ClinVar aggregate classification (germline): Uncertain significance (1 of 4 stars; one submission).

Conditions:
Familial cancer of breast. Also called: Hereditary breast cancer; hereditary breast carcinoma; BREAST CANCER, FAMILIAL. Identifiers: Orphanet 227535, MedGen C0346153, MONDO:0016419, OMIM 114480. Disease mechanism: loss of function.

Submission:

Labcorp Genetics (formerly Invitae), Labcorp
Classification: Uncertain significance for Familial cancer of breast. Last evaluated: 2025-01-30. Review status: criteria provided, single submitter. Criteria: Invitae Variant Classification Sherloc (09022015). Collection method: clinical testing. Allele origin: germline.
Comment: This sequence change replaces aspartic acid, which is acidic and polar, with glutamic acid, which is acidic and polar, at codon 461 of the CHEK2 protein (p.Asp461Glu). This variant is not present in population databases (gnomAD no frequency). This variant has not been reported in the literature in individuals affected with CHEK2-related conditions. ClinVar contains an entry for this variant (Variation ID: 2956703). An algorithm developed to predict the effect of missense changes on protein structure and function (PolyPhen-2) suggests that this variant is likely to be tolerated. In summary, the available evidence is currently insufficient to determine the role of this variant in disease. Therefore, it has been classified as a Variant of Uncertain Significance.

NM_007194.4(CHEK2):c.1383C>A (p.Asp461Glu)

Gene: CHEK2 (checkpoint kinase 2; minus strand). Cytogenetic location: 22q12.1.
Variant type: single nucleotide variant.
Coding change: c.1383C>A on transcript NM_007194.4 (MANE Select); coding-DNA position 1383, C replaced by A.
Protein change: p.Asp461Glu; replaces aspartic acid 461 with glutamic acid.
Molecular consequence: missense variant.
Genome position (GRCh38, 1-based): chr22:28,694,110, G>T on the plus strand (C>A on the coding strand, the complement: CHEK2 is on the minus strand). VCF-style: chr22-28694110-G-T. GRCh37 (hg19) VCF-style: chr22-29090098-G-T.
Other names: c.1512C>A, p.Asp504Glu (NM_001005735.3); c.720C>A, p.Asp240Glu (NM_001257387.3); c.1182C>A, p.Asp394Glu (NM_001349956.3); c.1296C>A, p.Asp432Glu (NM_145862.3); short protein forms D394E, D504E, D240E, D461E, D432E.
Identifiers: ClinVar variation 2956703 (VCV002956703.3), dbSNP rs1060502702, ClinGen allele CA411094524.